The following is an entry in ClinVar:

NM_001197104.2(KMT2A):c.5431C>T (p.Arg1811Ter)

Gene: KMT2A (lysine methyltransferase 2A; plus strand). Cytogenetic location: 11q23.3.
Variant type: single nucleotide variant.
Coding change: c.5431C>T on transcript NM_001197104.2 (MANE Select); coding-DNA position 5431, C replaced by T.
Protein change: p.Arg1811Ter; replaces arginine 1811 with a stop codon.
Molecular consequence: nonsense.
Genome position (GRCh38, 1-based): chr11:118,495,767, C>T. VCF-style: chr11-118495767-C-T. GRCh37 (hg19) VCF-style: chr11-118366482-C-T.
Other names: c.5422C>T, p.Arg1808Ter (NM_005933.4); short protein forms R1808*, R1811*.
Identifiers: ClinVar variation 802801 (VCV000802801.6), dbSNP rs1555043796, ClinGen allele CA382838632.

ClinVar aggregate classification (germline): Pathogenic/Likely pathogenic. Review status: criteria provided, multiple submitters, no conflicts (2 of 4 stars). 5 submissions from 5 submitters: Pathogenic (2); Likely pathogenic (1). 2 of the submissions do not count toward it. Last evaluated 2024-01-16.

Conditions:
Wiedemann-Steiner syndrome (WDSTS). Also called: Growth deficiency and mental retardation with facial dysmorphism. Identifiers: Orphanet 319182, MedGen C1854630, MONDO:0011518, OMIM 605130.

Submissions (5):

Women's Health and Genetics/Laboratory Corporation of America, LabCorp
Classification: Pathogenic for Wiedemann-Steiner syndrome. Last evaluated: 2024-01-16. Review status: criteria provided, single submitter. Criteria: LabCorp Variant Classification Summary - May 2015. Collection method: clinical testing. Allele origin: germline.
Comment: Variant summary: KMT2A c.5431C>T (p.Arg1811X) results in a premature termination codon, predicted to cause a truncation of the encoded protein or absence of the protein due to nonsense mediated decay, which are commonly known mechanisms for disease. The variant was absent in 251400 control chromosomes (gnomAD). c.5431C>T has been reported in the literature in individuals affected with Wiedemann-Steiner Syndrome (e.g., Lin_2023). The following publication was ascertained in the context of this evaluation (PMID: 37025457). ClinVar contains an entry for this variant (Variation ID: 802801). Based on the evidence outlined above, the variant was classified as pathogenic.

Laboratoire Génétique Moléculaire, CHRU TOURS
Classification: Pathogenic. Last evaluated: 2021-05-03. Review status: criteria provided, single submitter. Criteria: ACMG Guidelines, 2015. Collection method: clinical testing. Allele origin: de novo. Affected: yes.

Mendelics
Classification: Likely pathogenic for Wiedemann-Steiner syndrome. Last evaluated: 2019-05-28. Review status: criteria provided, single submitter. Criteria: Mendelics Assertion Criteria 2017. Collection method: clinical testing. Allele origin: unknown.

Genome Diagnostics Laboratory, Amsterdam University Medical Center
Classification: Pathogenic. Review status: no assertion criteria provided. Collection method: clinical testing. Allele origin: germline. Affected: yes. Study: VKGL Data-share Consensus. Not counted in ClinVar's aggregate classification.

Joint Genome Diagnostic Labs from Nijmegen and Maastricht, Radboudumc and MUMC+
Classification: Pathogenic. Review status: no assertion criteria provided. Collection method: clinical testing. Allele origin: germline. Affected: yes. Study: VKGL Data-share Consensus. Not counted in ClinVar's aggregate classification.

Literature cited by the submitters: PubMed 37025457 (cited by Women's Health and Genetics/Laboratory Corporation of America, LabCorp).